The following is an entry in ClinVar:

ClinVar aggregate classification (germline): Uncertain significance (1 of 4 stars; one submission).

Submission:

CeGaT Center for Human Genetics Tuebingen
Classification: Uncertain significance. Last evaluated: 2022-07-01. Review status: criteria provided, single submitter. Criteria: CeGaT Center For Human Genetics Tuebingen Variant Classification Criteria Version 2. Collection method: clinical testing. Allele origin: germline. Affected: yes. Observed: 1 variant allele.
Comment: GRIN2B: PM2, PP2

NM_000834.5(GRIN2B):c.1783C>T (p.Pro595Ser)

Gene: GRIN2B (glutamate ionotropic receptor NMDA type subunit 2B; minus strand). Cytogenetic location: 12p13.1.
Variant type: single nucleotide variant.
Coding change: c.1783C>T on transcript NM_000834.5 (MANE Select); coding-DNA position 1783, C replaced by T.
Protein change: p.Pro595Ser; replaces proline 595 with serine.
Molecular consequence: missense variant.
Genome position (GRCh38, 1-based): chr12:13,608,830, G>A on the plus strand (C>T on the coding strand, the complement: GRIN2B is on the minus strand). VCF-style: chr12-13608830-G-A. GRCh37 (hg19) VCF-style: chr12-13761764-G-A.
Other names: short protein forms P595S.
Identifiers: ClinVar variation 1701188 (VCV001701188.31), dbSNP rs766030730, ClinGen allele CA384051353.